The following is an entry in ClinVar:

ClinVar aggregate classification (germline): Uncertain significance (1 of 4 stars; one submission).

Allele frequency attached by ClinVar (database versions not stated): gnomAD exomes below 0.00001.
gnomAD v4.1: 2 of 1,614,048 alleles (0.00012%); highest among the groups gnomAD compares: Non-Finnish European, 0.00017%; no homozygotes.

Submission:

GeneDx
Classification: Uncertain significance. Last evaluated: 2019-10-13. Review status: criteria provided, single submitter. Criteria: GeneDx Variant Classification Process June 2021. Collection method: clinical testing. Allele origin: germline. Affected: yes.
Comment: In silico analysis, which includes protein predictors and evolutionary conservation, supports a deleterious effect; Has not been previously published as pathogenic or benign to our knowledge

NM_001348323.3(TRIP12):c.2093C>T (p.Thr698Ile)

Gene: TRIP12 (thyroid hormone receptor interactor 12; minus strand). Cytogenetic location: 2q36.3.
Variant type: single nucleotide variant.
Coding change: c.2093C>T on transcript NM_001348323.3 (MANE Select); coding-DNA position 2093, C replaced by T.
Protein change: p.Thr698Ile; replaces threonine 698 with isoleucine.
Molecular consequence: missense variant.
Genome position (GRCh38, 1-based): chr2:229,811,008, G>A on the plus strand (C>T on the coding strand, the complement: TRIP12 is on the minus strand). VCF-style: chr2-229811008-G-A. GRCh37 (hg19) VCF-style: chr2-230675724-G-A.
Other names: c.2093C>T, p.Thr698Ile (NM_001284214.2, NM_001348315.2, NM_001348319.1 and 11 more transcripts); c.1967C>T, p.Thr656Ile (NM_001284215.2, NM_001348316.2, NM_001348317.1 and 2 more transcripts); c.1058C>T, p.Thr353Ile (NM_001284216.2); c.2006C>T, p.Thr669Ile (NM_001348332.1); c.1949C>T, p.Thr650Ile (NM_004238.3); short protein forms T353I, T650I, T656I, T669I, T698I.
Identifiers: ClinVar variation 1303553 (VCV001303553.2), dbSNP rs1169225234, ClinGen allele CA350919593.